The following is an entry in ClinVar:

NM_020738.4(KIDINS220):c.1901C>T (p.Thr634Ile)

Gene: KIDINS220 (kinase D interacting substrate 220; minus strand). Cytogenetic location: 2p25.1.
Variant type: single nucleotide variant.
Coding change: c.1901C>T on transcript NM_020738.4 (MANE Select); coding-DNA position 1901, C replaced by T.
Protein change: p.Thr634Ile; replaces threonine 634 with isoleucine.
Molecular consequence: missense variant. On other transcripts: non-coding transcript variant (2).
Genome position (GRCh38, 1-based): chr2:8,786,244, G>A on the plus strand (C>T on the coding strand, the complement: KIDINS220 is on the minus strand). VCF-style: chr2-8786244-G-A. GRCh37 (hg19) VCF-style: chr2-8926374-G-A.
Other names: c.1904C>T, p.Thr635Ile (NM_001348729.2, NM_001348731.2, NM_001348734.2 and 3 more transcripts); c.1901C>T, p.Thr634Ile (NM_001348732.2, NM_001348735.2, NM_001348738.2 and 3 more transcripts); c.1775C>T, p.Thr592Ile (NM_001348736.2); short protein forms T592I, T634I, T635I.
Identifiers: ClinVar variation 3353839 (VCV003353839.3).

ClinVar aggregate classification (germline): Uncertain significance. Review status: criteria provided, single submitter (1 of 4 stars). 2 submissions from 2 submitters: Uncertain significance (1). 1 of the submissions does not count toward it. Last evaluated 2024-06-02.

Conditions:
KIDINS220-related disorder. Also called: KIDINS220-related condition.

gnomAD v4.1: 4 of 1,613,948 alleles (0.00025%); highest among the groups gnomAD compares: Non-Finnish European, 0.00034%; no homozygotes.

Submissions (2):

Labcorp Genetics (formerly Invitae), Labcorp
Classification: Uncertain significance. Last evaluated: 2024-06-02. Review status: criteria provided, single submitter. Criteria: Invitae Variant Classification Sherloc (09022015). Collection method: clinical testing. Allele origin: germline.
Comment: This sequence change replaces threonine, which is neutral and polar, with isoleucine, which is neutral and non-polar, at codon 634 of the KIDINS220 protein (p.Thr634Ile). This variant is not present in population databases (gnomAD no frequency). This variant has not been reported in the literature in individuals affected with KIDINS220-related conditions. An algorithm developed to predict the effect of missense changes on protein structure and function (PolyPhen-2) suggests that this variant is likely to be disruptive. In summary, the available evidence is currently insufficient to determine the role of this variant in disease. Therefore, it has been classified as a Variant of Uncertain Significance.

PreventionGenetics, part of Exact Sciences
Classification: Uncertain significance for KIDINS220-related condition. Last evaluated: 2024-03-21. Review status: no assertion criteria provided. Collection method: clinical testing. Allele origin: germline. Not counted in ClinVar's aggregate classification.
Comment: The KIDINS220 c.1901C>T variant is predicted to result in the amino acid substitution p.Thr634Ile. To our knowledge, this variant has not been reported in the literature. This variant is reported in 0.00088% of alleles in individuals of European (Non-Finnish) descent in gnomAD. At this time, the clinical significance of this variant is uncertain due to the absence of conclusive functional and genetic evidence.